The following is an entry in ClinVar:

ClinVar aggregate classification (germline): Conflicting classifications of pathogenicity. Review status: criteria provided, conflicting classifications (1 of 4 stars). 2 submissions from 2 submitters: Pathogenic (1); Uncertain significance (1). Last evaluated 2026-01-22.

Submissions (2):

GeneDx
Classification: Pathogenic. Last evaluated: 2026-01-22. Review status: criteria provided, single submitter. Criteria: GeneDx Variant Classification Process June 2021. Collection method: clinical testing. Allele origin: germline. Affected: yes.
Comment: In silico analysis supports that this missense variant has a deleterious effect on protein structure/function; Has not been previously published as pathogenic or benign to our knowledge; Not observed at significant frequency in large population cohorts (gnomAD)

Labcorp Genetics (formerly Invitae), Labcorp
Classification: Uncertain significance. Last evaluated: 2023-04-23. Review status: criteria provided, single submitter. Criteria: Invitae Variant Classification Sherloc (09022015). Collection method: clinical testing. Allele origin: germline.
Comment: This sequence change replaces glycine, which is neutral and non-polar, with arginine, which is basic and polar, at codon 1094 of the COL4A2 protein (p.Gly1094Arg). In summary, the available evidence is currently insufficient to determine the role of this variant in disease. Therefore, it has been classified as a Variant of Uncertain Significance. Advanced modeling of protein sequence and biophysical properties (such as structural, functional, and spatial information, amino acid conservation, physicochemical variation, residue mobility, and thermodynamic stability) has been performed at Invitae for this missense variant, however the output from this modeling did not meet the statistical confidence thresholds required to predict the impact of this variant on COL4A2 protein function. ClinVar contains an entry for this variant (Variation ID: 1806576). This variant has not been reported in the literature in individuals affected with COL4A2-related conditions. This variant is not present in population databases (gnomAD no frequency).

NM_001846.4(COL4A2):c.3280G>A (p.Gly1094Arg)

Gene: COL4A2 (collagen type IV alpha 2 chain; plus strand). Cytogenetic location: 13q34.
Variant type: single nucleotide variant.
Coding change: c.3280G>A on transcript NM_001846.4 (MANE Select); coding-DNA position 3280, G replaced by A.
Protein change: p.Gly1094Arg; replaces glycine 1094 with arginine.
Molecular consequence: missense variant.
Genome position (GRCh38, 1-based): chr13:110,489,719, G>A. VCF-style: chr13-110489719-G-A. GRCh37 (hg19) VCF-style: chr13-111142066-G-A.
Other names: short protein forms G1094R.
Identifiers: ClinVar variation 1806576 (VCV001806576.5), dbSNP rs2502178460, ClinGen allele CA388730947.